The following is an entry in ClinVar:

NM_052813.5(CARD9):c.964_966del (p.Lys322del)

Gene: CARD9 (caspase recruitment domain family member 9; minus strand). Cytogenetic location: 9q34.3.
Variant type: Deletion.
Coding change: c.964_966del on transcript NM_052813.5 (MANE Select); coding-DNA positions 964 to 966, 3 bases deleted (AAG; older notation c.964_966delAAG).
Protein change: p.Lys322del; deletes lysine 322.
Molecular consequence: inframe deletion.
Genome position (GRCh38, 1-based): chr9:136,369,861-136,369,863, CTT deleted on the plus strand (AAG on the coding strand, the reverse complement: CARD9 is on the minus strand); deleting any 3 consecutive bases within chr9:136,369,861-136,369,865 gives the same sequence; the c. name uses the placement nearest the transcript's 3' end. VCF-style (leftmost placement, unchanged base first): chr9-136369860-CCTT-C. GRCh37 (hg19) VCF-style: chr9-139264312-CCTT-C.
Other names: c.964_966del, p.Lys322del (NM_052814.4); short protein forms K322del.
Identifiers: ClinVar variation 1911778 (VCV001911778.5), dbSNP rs761950582, ClinGen allele CA5332891.
Genomic context (GRCh38, chr9:136,369,860, plus strand): 5'-TGCGGTCCTTGTACATCTTGGAGTCCTTACGTAGTGCCAGGCACTGCAGCTCGAACATCT[CCTT>C]CTCCTCCATGCACTGCAGGGGGCGGCAGCTCAGCCCCCACAGGCCTGAGGCCCCCCATTC-3'

ClinVar aggregate classification (germline): Uncertain significance (1 of 4 stars; one submission).

Conditions:
Predisposition to invasive fungal disease due to CARD9 deficiency (IMD103). Also called: CARD9 IMMUNODEFICIENCY; IMMUNODEFICIENCY 103, SUSCEPTIBILITY TO FUNGAL INFECTIONS; Candidiasis, familial, 2, autosomal recessive. Identifiers: Orphanet 457088, MedGen C1859353, MONDO:0008905, OMIM 212050.

Submission:

Labcorp Genetics (formerly Invitae), Labcorp
Classification: Uncertain significance for Predisposition to invasive fungal disease due to CARD9 deficiency. Last evaluated: 2023-12-11. Review status: criteria provided, single submitter. Criteria: Invitae Variant Classification Sherloc (09022015). Collection method: clinical testing. Allele origin: germline.
Comment: This variant, c.964_966del, results in the deletion of 1 amino acid(s) of the CARD9 protein (p.Lys322del), but otherwise preserves the integrity of the reading frame. This variant is present in population databases (rs761950582, gnomAD 0.003%). This variant has not been reported in the literature in individuals affected with CARD9-related conditions. ClinVar contains an entry for this variant (Variation ID: 1911778). Experimental studies and prediction algorithms are not available or were not evaluated, and the functional significance of this variant is currently unknown. In summary, the available evidence is currently insufficient to determine the role of this variant in disease. Therefore, it has been classified as a Variant of Uncertain Significance.